The following is an entry in ClinVar:

NC_000005.9:g.(?_138117614)_(138287593_?)dup

Genes: CTNNA1 (catenin alpha 1; plus strand), LRRTM2 (leucine rich repeat transmembrane neuronal 2; minus strand), SIL1 (SIL1 nucleotide exchange factor; minus strand). Cytogenetic location: 5q31.2.
Variant type: Duplication.
Identifiers: ClinVar variation 2424313 (VCV002424313.3).

ClinVar aggregate classification (germline): Uncertain significance (1 of 4 stars; one submission).

Submission:

Labcorp Genetics (formerly Invitae), Labcorp
Classification: Uncertain significance. Last evaluated: 2022-03-10. Review status: criteria provided, single submitter. Criteria: Invitae Variant Classification Sherloc (09022015). Collection method: clinical testing. Allele origin: germline.
Comment: A copy number gain of the genomic region encompassing the full coding sequence of the CTNNA1 gene has been identified. The boundaries of this event are unknown as they extend beyond the assayed region for this gene and therefore may encompass additional genes. As the precise location of this event is unknown, it may be in tandem or it may be located elsewhere in the genome. This variant has not been reported in the literature in individuals affected with CTNNA1-related conditions. Experimental studies and prediction algorithms are not available or were not evaluated, and the functional significance of this variant is currently unknown. In summary, the available evidence is currently insufficient to determine the role of this variant in disease. Therefore, it has been classified as a Variant of Uncertain Significance.